The following is an entry in ClinVar:

NM_000531.6(OTC):c.298+1G>T

Gene: OTC (ornithine transcarbamylase; plus strand). Cytogenetic location: Xp11.4.
Variant type: single nucleotide variant.
Coding change: c.298+1G>T on transcript NM_000531.6 (MANE Select); the canonical splice donor site of the intron after coding-DNA position 298, G replaced by T.
Molecular consequence: splice donor variant.
Genome position (GRCh38, 1-based): chrX:38,369,878, G>T. VCF-style: chrX-38369878-G-T. GRCh37 (hg19) VCF-style: chrX-38229131-G-T.
Other names: c.298+1G>T (NM_001407092.1).
Identifiers: ClinVar variation 97160 (VCV000097160.3), dbSNP rs68058881, ClinGen allele CA224544.

ClinVar aggregate classification (germline): Pathogenic. Review status: criteria provided, single submitter (1 of 4 stars). 2 submissions from 2 submitters: Pathogenic (1). 1 of the submissions does not count toward it. Last evaluated 2017-04-20.

Submissions (2):

GeneDx
Classification: Pathogenic. Last evaluated: 2017-04-20. Review status: criteria provided, single submitter. Criteria: GeneDx Variant Classification (06012015). Collection method: clinical testing. Allele origin: germline. Affected: yes.
Comment: The c.298+1 G>T variant is not observed in large population cohorts (Lek et al., 2016; 1000 Genomes Consortium et al., 2015; Exome Variant Server). This pathogenic variant destroys the canonical splice donor site in intron 3, and is expected to cause abnormal gene splicing. In summary, we interpret c.298+1 G>T as pathogenic, and its presence is consistent with the diagnosis of OTC deficiency in this individual. Approximately 20% of females who are heterozygous for variants in the OTC gene are clinically symptomatic with disease severity similar to males with partial deficiency (Yamaguchi et al., 2006; Tuchman et al., 2002).

GenMed Metabolism Lab
Classification: Pathogenic. Review status: no assertion criteria provided. Collection method: not provided. Allele origin: unknown. Not counted in ClinVar's aggregate classification.
Comment: Late, Donor splice site error
ClinVar note: Converted during submission from pathogenic to Pathogenic.